The following is an entry in ClinVar:

ClinVar aggregate classification (germline): Conflicting classifications of pathogenicity. Review status: criteria provided, conflicting classifications (1 of 4 stars). 3 submissions from 3 submitters: Uncertain significance (1); Likely benign (2). Last evaluated 2026-02-11.

Conditions:
Tuberous sclerosis syndrome (TSC). Also called: Tuberous sclerosis; Tuberous Sclerosis Complex. Identifiers: Orphanet 805, MedGen C0041341, MONDO:0001734.
Tuberous sclerosis 2 (TSC2). Identifiers: Orphanet 805, MedGen C1860707, MONDO:0013199, OMIM 613254.
Hereditary cancer-predisposing syndrome. Also called: Hereditary Cancer Syndrome; Tumor predisposition; Neoplastic Syndromes, Hereditary; Hereditary neoplastic syndrome. Identifiers: Orphanet 140162, MedGen C0027672, MeSH D009386, MONDO:0015356.

Allele frequency attached by ClinVar (database versions not stated): gnomAD exomes below 0.00001.
gnomAD v4.1: 2 of 1,612,306 alleles (0.00012%); highest among the groups gnomAD compares: Non-Finnish European, 0.00017%; no homozygotes.

Submissions (3):

Ambry Genetics
Classification: Likely benign for Hereditary cancer-predisposing syndrome. Last evaluated: 2026-02-11. Review status: criteria provided, single submitter. Criteria: Ambry Variant Classification Scheme 2023. Collection method: clinical testing. Allele origin: germline.

Labcorp Genetics (formerly Invitae), Labcorp
Classification: Uncertain significance for Tuberous sclerosis 2. Last evaluated: 2024-02-04. Review status: criteria provided, single submitter. Criteria: Invitae Variant Classification Sherloc (09022015). Collection method: clinical testing. Allele origin: germline.
Comment: This sequence change falls in intron 39 of the TSC2 gene. It does not directly change the encoded amino acid sequence of the TSC2 protein. It affects a nucleotide within the consensus splice site. This variant is not present in population databases (gnomAD no frequency). This variant has not been reported in the literature in individuals affected with TSC2-related conditions. ClinVar contains an entry for this variant (Variation ID: 853302). Variants that disrupt the consensus splice site are a relatively common cause of aberrant splicing (PMID: 17576681, 9536098). Algorithms developed to predict the effect of sequence changes on RNA splicing suggest that this variant is not likely to affect RNA splicing. In summary, the available evidence is currently insufficient to determine the role of this variant in disease. Therefore, it has been classified as a Variant of Uncertain Significance.

All of Us Research Program, National Institutes of Health
Classification: Likely benign for Tuberous sclerosis syndrome. Last evaluated: 2023-05-16. Review status: criteria provided, single submitter. Criteria: ACMG Guidelines, 2015. Collection method: clinical testing. Allele origin: germline. Inheritance: Autosomal dominant inheritance. Observed: 1 variant allele, 1 heterozygote.
Comment: This study involves interpretation of variants in research participants for the purpose of population health screening. Participant phenotype was not available at the time of variant classification. Additional details can be found in publication PMID: 35346344, PMCID: PMC8962531

Literature cited by the submitters: PubMed 17576681 (cited by Labcorp Genetics (formerly Invitae), Labcorp); PubMed 9536098 (cited by Labcorp Genetics (formerly Invitae), Labcorp).

NM_000548.5(TSC2):c.5069-3C>T

Gene: TSC2 (TSC complex subunit 2; plus strand). Cytogenetic location: 16p13.3.
Variant type: single nucleotide variant.
Coding change: c.5069-3C>T on transcript NM_000548.5 (MANE Select); 3 bases into the intron before coding-DNA position 5069, C replaced by T.
Molecular consequence: intron variant.
Genome position (GRCh38, 1-based): chr16:2,088,045, C>T. VCF-style: chr16-2088045-C-T. GRCh37 (hg19) VCF-style: chr16-2138046-C-T.
Other names: c.5000-3C>T (NM_001114382.3); c.4940-3C>T (NM_021055.3, NM_001370405.1); c.4871-3C>T (NM_001363528.2); c.4937-3C>T (NM_001370404.1); c.4868-3C>T (NM_001077183.3); c.4760-3C>T (NM_001318827.2); c.4337-3C>T (NM_001318831.2); c.4724-3C>T (NM_001318829.2); and 1 more.
Identifiers: ClinVar variation 853302 (VCV000853302.11), dbSNP rs2091085832, ClinGen allele CA916081799.